The following is an entry in ClinVar:

ClinVar aggregate classification (germline): Uncertain significance. Review status: criteria provided, multiple submitters, no conflicts (2 of 4 stars). 2 submissions from 2 submitters: Uncertain significance (2). Last evaluated 2025-11-05.

Conditions:
Inborn genetic diseases. Identifiers: MedGen C0950123, MeSH D030342.
RFT1-congenital disorder of glycosylation (CDG1N). Also called: CDG In; Congenital disorder of glycosylation type In; RFT1-CDG. Identifiers: Orphanet 244310, MedGen C2677590, MONDO:0012783, OMIM 612015.

Allele frequency attached by ClinVar (database versions not stated): TOPMed 0.00001; gnomAD 0.00003; ExAC 0.00004.
gnomAD v4.1: 23 of 1,608,712 alleles (0.0014%); highest among the groups gnomAD compares: Admixed American, 0.019%; no homozygotes.

Submissions (2):

Ambry Genetics
Classification: Uncertain significance for Inborn genetic diseases. Last evaluated: 2025-11-05. Review status: criteria provided, single submitter. Criteria: Ambry Variant Classification Scheme 2023. Collection method: clinical testing. Allele origin: germline.

Labcorp Genetics (formerly Invitae), Labcorp
Classification: Uncertain significance for RFT1-congenital disorder of glycosylation. Last evaluated: 2022-05-21. Review status: criteria provided, single submitter. Criteria: Invitae Variant Classification Sherloc (09022015). Collection method: clinical testing. Allele origin: germline.
Comment: This sequence change replaces tyrosine, which is neutral and polar, with cysteine, which is neutral and slightly polar, at codon 197 of the RFT1 protein (p.Tyr197Cys). This variant is present in population databases (rs781527440, gnomAD 0.03%). This variant has not been reported in the literature in individuals affected with RFT1-related conditions. Algorithms developed to predict the effect of missense changes on protein structure and function (SIFT, PolyPhen-2, Align-GVGD) all suggest that this variant is likely to be disruptive. In summary, the available evidence is currently insufficient to determine the role of this variant in disease. Therefore, it has been classified as a Variant of Uncertain Significance.

NM_052859.4(RFT1):c.590A>G (p.Tyr197Cys)

Gene: RFT1 (RFT1 glycolipid translocator homolog; minus strand). Cytogenetic location: 3p21.1.
Variant type: single nucleotide variant.
Coding change: c.590A>G on transcript NM_052859.4 (MANE Select); coding-DNA position 590, A replaced by G.
Protein change: p.Tyr197Cys; replaces tyrosine 197 with cysteine.
Molecular consequence: missense variant.
Genome position (GRCh38, 1-based): chr3:53,119,990, T>C on the plus strand (A>G on the coding strand, the complement: RFT1 is on the minus strand). VCF-style: chr3-53119990-T-C. GRCh37 (hg19) VCF-style: chr3-53154006-T-C.
Other names: c.590A>G (NM_052859.3); short protein forms Y197C.
Identifiers: ClinVar variation 1363098 (VCV001363098.4), dbSNP rs781527440, ClinGen allele CA2451401.